The following is an entry in ClinVar:

ClinVar aggregate classification (germline): Benign/Likely benign. Review status: criteria provided, multiple submitters, no conflicts (2 of 4 stars). 3 submissions from 3 submitters: Benign (1); Likely benign (2). Last evaluated 2018-06-16.

Conditions:
DK1-congenital disorder of glycosylation. Also called: DK1-CDG; CONGENITAL DISORDER OF GLYCOSYLATION, TYPE Im; CDG Im; DK1 DEFICIENCY; DOLICHOL KINASE DEFICIENCY; DOLK-congenital disorder of glycosylation. Identifiers: Orphanet 91131, MedGen C1835849, MONDO:0012556, OMIM 610768.

Allele frequency attached by ClinVar (database versions not stated): 1000 Genomes Project 0.01737; ExAC 0.02744; TOPMed 0.00260; 1000 Genomes Project 30x 0.01515.

Submissions (3):

GeneDx
Classification: Likely benign. Last evaluated: 2018-06-16. Review status: criteria provided, single submitter. Criteria: GeneDx Variant Classification (06012015). Collection method: clinical testing. Allele origin: germline. Affected: yes.
Comment: This variant is considered likely benign or benign based on one or more of the following criteria: it is a conservative change, it occurs at a poorly conserved position in the protein, it is predicted to be benign by multiple in silico algorithms, and/or has population frequency not consistent with disease.

Illumina Laboratory Services, Illumina
Classification: Benign for DK1-congenital disorder of glycosylation. Last evaluated: 2018-01-12. Review status: criteria provided, single submitter. Criteria: ICSL Variant Classification Criteria 13 December 2019. Collection method: clinical testing. Allele origin: germline.
Comment: This variant was observed in the ICSL laboratory as part of a predisposition screen in an ostensibly healthy population. It had not been previously curated by ICSL or reported in the Human Gene Mutation Database (HGMD: prior to June 1st, 2018), and was therefore a candidate for classification through an automated scoring system. Utilizing variant allele frequency, disease prevalence and penetrance estimates, and inheritance mode, an automated score was calculated to assess if this variant is too frequent to cause the disease. Based on the score and internal cut-off values, a variant classified as benign is not then subjected to further curation. The score for this variant resulted in a classification of benign for this disease.

Breakthrough Genomics
Classification: Likely benign. Review status: criteria provided, single submitter. Criteria: ACMG Guidelines, 2015. Collection method: not provided. Allele origin: germline. Inheritance: Autosomal recessive inheritance. Affected: yes.

NM_014908.3(DOLK):c.-404G>A

Genes: DOLK (dolichol kinase; minus strand), NUP188 (nucleoporin 188; plus strand). Cytogenetic location: 9q34.11.
Variant type: single nucleotide variant.
Coding change: c.-404G>A on transcript NM_014908.3; 404 bases upstream of the start codon, G replaced by A.
Molecular consequence: 5 prime UTR variant (on NM_015354.3).
Genome position (GRCh38, 1-based): chr9:128,947,707, C>T on the plus strand (G>A on the coding strand, the complement: DOLK is on the minus strand). VCF-style: chr9-128947707-C-T. GRCh37 (hg19) VCF-style: chr9-131709986-C-T.
Other names: c.-13C>T (NM_015354.3).
Identifiers: ClinVar variation 365207 (VCV000365207.9), dbSNP rs3750324, ClinGen allele CA5271829.